The following is an entry in ClinVar:

ClinVar aggregate classification (germline): Uncertain significance (1 of 4 stars; one submission).

Submission:

Labcorp Genetics (formerly Invitae), Labcorp
Classification: Uncertain significance. Last evaluated: 2021-10-02. Review status: criteria provided, single submitter. Criteria: Invitae Variant Classification Sherloc (09022015). Collection method: clinical testing. Allele origin: germline.
Comment: In summary, the available evidence is currently insufficient to determine the role of this variant in disease. Therefore, it has been classified as a Variant of Uncertain Significance. Algorithms developed to predict the effect of missense changes on protein structure and function (SIFT, PolyPhen-2, Align-GVGD) all suggest that this variant is likely to be tolerated. This variant has not been reported in the literature in individuals affected with ZNF469-related conditions. The frequency data for this variant in the population databases is considered unreliable, as metrics indicate insufficient coverage at this position in the ExAC database. This sequence change replaces methionine with leucine at codon 2095 of the ZNF469 protein (p.Met2095Leu). The methionine residue is weakly conserved and there is a small physicochemical difference between methionine and leucine.

NM_001367624.2(ZNF469):c.6367A>C (p.Met2123Leu)

Gene: ZNF469 (zinc finger protein 469; plus strand). Cytogenetic location: 16q24.2.
Variant type: single nucleotide variant.
Coding change: c.6367A>C on transcript NM_001367624.2 (MANE Select); coding-DNA position 6367, A replaced by C.
Protein change: p.Met2123Leu; replaces methionine 2123 with leucine.
Molecular consequence: missense variant.
Genome position (GRCh38, 1-based): chr16:88,433,837, A>C. VCF-style: chr16-88433837-A-C. GRCh37 (hg19) VCF-style: chr16-88500245-A-C.
Other names: short protein forms M2123L.
Identifiers: ClinVar variation 1498686 (VCV001498686.6), dbSNP rs2142309271, ClinGen allele CA397105561.
Genomic context (GRCh38, chr16:88,433,837, plus strand): 5'-CCAGCACCCTCTGTCGGGGACCTGGCCGCCTGCGCCCCCTCACCCACTTCAGCCGCCCAC[A>C]TGCCCTGCAGCCTTGGGCCCCTGCCCCGTGAAGACCCACTTACCTCGCCTTCCAGGGCCC-3'
Protein context (NP_001354553.1, residues 2113-2133): CAPSPTSAAH[Met2123Leu]PCSLGPLPRE